The following is an entry in ClinVar:

ClinVar aggregate classification (germline): Likely benign (1 of 4 stars; one submission).

Allele frequency attached by ClinVar (database versions not stated): gnomAD exomes below 0.00001; TOPMed below 0.00001; gnomAD 0.00001 and 0.00002.
gnomAD v4.1: 4 of 1,613,774 alleles (0.00025%); highest among the groups gnomAD compares: Middle Eastern, 0.016%; no homozygotes.

Submission:

GeneDx
Classification: Likely benign. Last evaluated: 2016-07-21. Review status: criteria provided, single submitter. Criteria: GeneDx Variant Classification (06012015). Collection method: clinical testing. Allele origin: germline. Affected: yes.
Comment: This variant is considered likely benign or benign based on one or more of the following criteria: it is a conservative change, it occurs at a poorly conserved position in the protein, it is predicted to be benign by multiple in silico algorithms, and/or has population frequency not consistent with disease.

NM_020166.5(MCCC1):c.136+19G>T

Gene: MCCC1 (methylcrotonyl-CoA carboxylase subunit 1; minus strand). Cytogenetic location: 3q27.1.
Variant type: single nucleotide variant.
Coding change: c.136+19G>T on transcript NM_020166.5 (MANE Select); 19 bases into the intron after coding-DNA position 136, G replaced by T.
Molecular consequence: intron variant.
Genome position (GRCh38, 1-based): chr3:183,094,540, C>A on the plus strand (G>T on the coding strand, the complement: MCCC1 is on the minus strand). VCF-style: chr3-183094540-C-A. GRCh37 (hg19) VCF-style: chr3-182812328-C-A.
Other names: c.-55+19G>T (NM_001363880.1); c.44+19G>T (NM_001293273.2).
Identifiers: ClinVar variation 387369 (VCV000387369.1), dbSNP rs1057522772, ClinGen allele CA16604491.